The following is an entry in ClinVar:

NM_001370259.2(MEN1):c.585_589del (p.Glu195fs)

Gene: MEN1 (menin 1; minus strand). Cytogenetic location: 11q13.1.
Variant type: Deletion.
Coding change: c.585_589del on transcript NM_001370259.2 (MANE Select); coding-DNA positions 585 to 589, 5 bases deleted (GGTCA; older notation c.585_589delGGTCA).
Protein change: p.Glu195fs; shifts the reading frame from glutamic acid 195.
Molecular consequence: frameshift variant. On other transcripts: non-coding transcript variant (4), intron variant (5).
Genome position (GRCh38, 1-based): chr11:64,807,956-64,807,960, TGACC deleted on the plus strand (GGTCA on the coding strand, the reverse complement: MEN1 is on the minus strand); deleting any 5 consecutive bases within chr11:64,807,956-64,807,961 gives the same sequence; the c. name uses the placement nearest the transcript's 3' end. VCF-style (leftmost placement, unchanged base first): chr11-64807955-GTGACC-G. GRCh37 (hg19) VCF-style: chr11-64575427-GTGACC-G.
Other names: c.600_604del, p.Glu200fs (NM_000244.4, NM_001407145.1, NM_001407150.1 and 5 more transcripts); c.585_589del, p.Glu195fs (NM_001370251.2, NM_001370260.2, NM_001370261.2 and 7 more transcripts); c.584_588delAGGTC, p.Glu195Aspfs (NM_130799.2); c.549+36_549+40del (NM_001407148.1, NM_001407149.1, NM_001407151.1 and 2 more transcripts); short protein forms E200fs, E195fs.
Identifiers: ClinVar variation 3572319 (VCV003572319.1).

ClinVar aggregate classification (germline): Likely pathogenic (1 of 4 stars; one submission).

Submission:

Quest Diagnostics Nichols Institute San Juan Capistrano
Classification: Likely pathogenic. Last evaluated: 2024-08-06. Review status: criteria provided, single submitter. Criteria: Quest Diagnostics criteria. Collection method: clinical testing. Allele origin: unknown.
Comment: The MEN1 c.585_589del (p.Glu195Aspfs*21) variant alters the translational reading frame of the MEN1 mRNA and is predicted to cause the premature termination of MEN1 protein synthesis. This variant has not been reported in individuals with MEN1-related conditions in the published literature. This variant has not been reported in large, multi-ethnic general populations (Genome Aggregation Database). Based on the available information, this variant is classified as likely pathogenic.